The following is an entry in ClinVar:

NM_015662.3(IFT172):c.5093T>C (p.Ile1698Thr)

Genes: IFT172 (intraflagellar transport 172; minus strand), KRTCAP3 (keratinocyte associated protein 3; plus strand). Cytogenetic location: 2p23.3.
Variant type: single nucleotide variant.
Coding change: c.5093T>C on transcript NM_015662.3 (MANE Select); coding-DNA position 5093, T replaced by C.
Protein change: p.Ile1698Thr; replaces isoleucine 1698 with threonine.
Molecular consequence: missense variant. On other transcripts: intron variant (1).
Genome position (GRCh38, 1-based): chr2:27,445,081, A>G on the plus strand (T>C on the coding strand, the complement: IFT172 is on the minus strand). VCF-style: chr2-27445081-A-G. GRCh37 (hg19) VCF-style: chr2-27667948-A-G.
Other names: c.5027T>C, p.Ile1676Thr (NM_001410739.1); c.*5+1020A>G (NM_001168364.2); short protein forms I1676T, I1698T.
Identifiers: ClinVar variation 2185530 (VCV002185530.4), dbSNP rs762114339, ClinGen allele CA1579359.

ClinVar aggregate classification (germline): Uncertain significance. Review status: criteria provided, multiple submitters, no conflicts (2 of 4 stars). 3 submissions from 3 submitters: Uncertain significance (3). Last evaluated 2023-09-14.

Conditions:
Short-rib thoracic dysplasia 10 with or without polydactyly (SRTD10). Identifiers: Orphanet 474, MedGen C3810175, MONDO:0014284, OMIM 615630.
Retinitis pigmentosa 71 (RP71). Identifiers: Orphanet 791, MedGen C4225342, MONDO:0014618, OMIM 616394.
IFT172-related disorder. Also called: IFT172-related disorders; IFT172-related condition.

Allele frequency attached by ClinVar (database versions not stated): gnomAD exomes below 0.00001; ExAC 0.00001.
gnomAD v4.1: 2 of 1,614,048 alleles (0.00012%); highest among the groups gnomAD compares: Non-Finnish European, 0.00017%; no homozygotes.

Submissions (3):

PreventionGenetics, part of Exact Sciences
Classification: Uncertain significance for IFT172-related condition. Last evaluated: 2023-09-14. Review status: criteria provided, single submitter. Criteria: ACMG Guidelines, 2015. Collection method: clinical testing. Allele origin: germline.
Comment: The IFT172 c.5093T>C variant is predicted to result in the amino acid substitution p.Ile1698Thr. To our knowledge, this variant has not been reported in the literature. This variant is reported in 0.00088% of alleles in individuals of European (Non-Finnish) descent in gnomAD. At this time, the clinical significance of this variant is uncertain due to the absence of conclusive functional and genetic evidence.

Blueprint Genetics
Classification: Uncertain significance. Last evaluated: 2022-02-25. Review status: criteria provided, single submitter. Criteria: ACMG Guidelines, 2015. Collection method: clinical testing. Allele origin: germline.

Labcorp Genetics (formerly Invitae), Labcorp
Classification: Uncertain significance for Retinitis pigmentosa 71; Short-rib thoracic dysplasia 10 with or without polydactyly. Last evaluated: 2022-02-25. Review status: criteria provided, single submitter. Criteria: Invitae Variant Classification Sherloc (09022015). Collection method: clinical testing. Allele origin: germline.
Comment: This sequence change replaces isoleucine, which is neutral and non-polar, with threonine, which is neutral and polar, at codon 1698 of the IFT172 protein (p.Ile1698Thr). This variant is present in population databases (rs762114339, gnomAD 0.0009%). In summary, the available evidence is currently insufficient to determine the role of this variant in disease. Therefore, it has been classified as a Variant of Uncertain Significance. Algorithms developed to predict the effect of missense changes on protein structure and function (SIFT, PolyPhen-2, Align-GVGD) all suggest that this variant is likely to be tolerated. This variant has not been reported in the literature in individuals affected with IFT172-related conditions.